The following is an entry in ClinVar:

NM_139276.3(STAT3):c.576C>G (p.Asn192Lys)

Genes: STAT3 (signal transducer and activator of transcription 3; minus strand), LOC130060889 (ATAC-STARR-seq lymphoblastoid silent region 8525; plus strand). Cytogenetic location: 17q21.2.
Variant type: single nucleotide variant.
Coding change: c.576C>G on transcript NM_139276.3 (MANE Select); coding-DNA position 576, C replaced by G.
Protein change: p.Asn192Lys; replaces asparagine 192 with lysine.
Molecular consequence: missense variant.
Genome position (GRCh38, 1-based): chr17:42,337,832, G>C on the plus strand (C>G on the coding strand, the complement: STAT3 is on the minus strand). VCF-style: chr17-42337832-G-C. GRCh37 (hg19) VCF-style: chr17-40489850-G-C.
Other names: c.576C>G, p.Asn192Lys (NM_001369512.1, NM_001369513.1, NM_001369514.1 and 15 more transcripts); c.498C>G, p.Asn166Lys (NM_001384985.1); c.480C>G, p.Asn160Lys (NM_001384989.1); short protein forms N160K, N192K, N166K.
Identifiers: ClinVar variation 2951078 (VCV002951078.3), dbSNP rs2144878632, ClinGen allele CA399594496.
Genomic context (GRCh38, chr17:42,337,832, plus strand): 5'-CTGGTCCAGCGCAGTGAGCATCTGTTCCAGCTGCTGCATCTTCTGCCTGGTCACTGACTG[G>C]TTGTTTCCATTCAGATCTTGCATGTCTGCGAAGGAAGAAAAAACTCCTTGACCTGAGGGA-3'
Protein context (NP_644805.1, residues 182-202): QGDMQDLNGN[Asn192Lys]QSVTRQKMQQ

ClinVar aggregate classification (germline): Uncertain significance (1 of 4 stars; one submission).

Conditions:
STAT3 gain of function. Identifiers: MedGen C4288261.
Hyper-IgE recurrent infection syndrome 1, autosomal dominant. Also called: STAT3 Hyper IgE Syndrome; Hyper-IgE recurrent infection syndrome 1; JOB SYNDROME; HYPER-IgE SYNDROME 1, AUTOSOMAL DOMINANT, WITH RECURRENT INFECTIONS; Job's Syndrome. Identifiers: Orphanet 2314, MedGen C2936739, MONDO:0007818, OMIM 147060.

Submission:

Labcorp Genetics (formerly Invitae), Labcorp
Classification: Uncertain significance for STAT3 gain of function; Hyper-IgE recurrent infection syndrome 1, autosomal dominant. Last evaluated: 2023-08-17. Review status: criteria provided, single submitter. Criteria: Invitae Variant Classification Sherloc (09022015). Collection method: clinical testing. Allele origin: germline.
Comment: Advanced modeling of protein sequence and biophysical properties (such as structural, functional, and spatial information, amino acid conservation, physicochemical variation, residue mobility, and thermodynamic stability) performed at Invitae indicates that this missense variant is not expected to disrupt STAT3 protein function. This sequence change replaces asparagine, which is neutral and polar, with lysine, which is basic and polar, at codon 192 of the STAT3 protein (p.Asn192Lys). This variant is not present in population databases (gnomAD no frequency). This variant has not been reported in the literature in individuals affected with STAT3-related conditions. In summary, the available evidence is currently insufficient to determine the role of this variant in disease. Therefore, it has been classified as a Variant of Uncertain Significance.